The following is an entry in ClinVar:

ClinVar aggregate classification (germline): Uncertain significance (1 of 4 stars; one submission).

Submission:

GeneDx
Classification: Uncertain significance. Last evaluated: 2024-10-16. Review status: criteria provided, single submitter. Criteria: GeneDx Variant Classification Process June 2021. Collection method: clinical testing. Allele origin: germline. Affected: yes.
Comment: Not observed at significant frequency in large population cohorts (gnomAD); In silico analysis indicates that this missense variant does not alter protein structure/function; Has not been previously published as pathogenic or benign to our knowledge

NM_024496.4(IRF2BPL):c.598C>T (p.Pro200Ser)

Gene: IRF2BPL (interferon regulatory factor 2 binding protein like; minus strand). Cytogenetic location: 14q24.3.
Variant type: single nucleotide variant.
Coding change: c.598C>T on transcript NM_024496.4 (MANE Select); coding-DNA position 598, C replaced by T.
Protein change: p.Pro200Ser; replaces proline 200 with serine.
Molecular consequence: missense variant.
Genome position (GRCh38, 1-based): chr14:77,027,195, G>A on the plus strand (C>T on the coding strand, the complement: IRF2BPL is on the minus strand). VCF-style: chr14-77027195-G-A. GRCh37 (hg19) VCF-style: chr14-77493538-G-A.
Other names: short protein forms P200S.
Identifiers: ClinVar variation 3780982 (VCV003780982.1).